The following is an entry in ClinVar:

NM_001283009.2(RTEL1):c.3876G>A (p.Met1292Ile)

Genes: RTEL1 (regulator of telomere elongation helicase 1; plus strand), RTEL1-TNFRSF6B (RTEL1-TNFRSF6B readthrough (NMD candidate); plus strand). Cytogenetic location: 20q13.33.
Variant type: single nucleotide variant.
Coding change: c.3876G>A on transcript NM_001283009.2 (MANE Select); coding-DNA position 3876, G replaced by A.
Protein change: p.Met1292Ile; replaces methionine 1292 with isoleucine.
Molecular consequence: missense variant. On other transcripts: non-coding transcript variant (1), 3 prime UTR variant (3).
Genome position (GRCh38, 1-based): chr20:63,695,831, G>A. VCF-style: chr20-63695831-G-A. GRCh37 (hg19) VCF-style: chr20-62327184-G-A.
Other names: c.*46G>A (NM_001283010.1, NM_016434.4, NM_032957.5); short protein forms M1292I.
Identifiers: ClinVar variation 972342 (VCV000972342.8), dbSNP rs199760510, ClinGen allele CA9966234.
Genomic context (GRCh38, chr20:63,695,831, plus strand): 5'-CTCACAGGCCTCTAGGATGTGCCCAGCCTGCCACACCGCCTCCAGGAAGCAGAGCGTCAT[G>A]CAGGTCTTCTGGCCAGAGCCCCAGTGAGTGCCCACGGAGGCCCCCAGCACACCCAACGTG-3'
Protein context (NP_001269938.1, residues 1282-1300): CHTASRKQSV[Met1292Ile]QVFWPEPQ

ClinVar aggregate classification (germline): Uncertain significance. Review status: criteria provided, multiple submitters, no conflicts (2 of 4 stars). 3 submissions from 3 submitters: Uncertain significance (3). Last evaluated 2025-09-25.

Conditions:
Dyskeratosis congenita, autosomal recessive 5 (DKCB5). Identifiers: MedGen C3554656, MONDO:0014076, OMIM 615190.
Pulmonary fibrosis and/or bone marrow failure, Telomere-related, 3. Also called: PULMONARY FIBROSIS AND/OR BONE MARROW FAILURE SYNDROME, TELOMERE-RELATED, 3. Identifiers: Orphanet 2032, MedGen C4225346, MONDO:0014613, OMIM 616373.
Inborn genetic diseases. Identifiers: MedGen C0950123, MeSH D030342.
Dyskeratosis congenita. Identifiers: Orphanet 1775, MedGen C0265965, MONDO:0015780.

Allele frequency attached by ClinVar (database versions not stated): gnomAD 0.00003 and 0.00004; gnomAD exomes 0.00004 and 0.00006; TOPMed 0.00007; ESP Exome Variant Server 0.00008; ExAC 0.00011; 1000 Genomes Project 30x 0.00016; 1000 Genomes Project 0.00020.

Submissions (3):

Labcorp Genetics (formerly Invitae), Labcorp
Classification: Uncertain significance for Dyskeratosis congenita, autosomal recessive 5; Pulmonary fibrosis and/or bone marrow failure, Telomere-related, 3. Last evaluated: 2025-09-25. Review status: criteria provided, single submitter. Criteria: Invitae Variant Classification Sherloc (09022015). Collection method: clinical testing. Allele origin: germline.
Comment: This sequence change replaces methionine, which is neutral and non-polar, with isoleucine, which is neutral and non-polar, at codon 1292 of the RTEL1 protein (p.Met1292Ile). This variant is present in population databases (rs199760510, gnomAD 0.01%). This variant has not been reported in the literature in individuals affected with RTEL1-related conditions. ClinVar contains an entry for this variant (Variation ID: 972342). An algorithm developed to predict the effect of missense changes on protein structure and function (PolyPhen-2) suggests that this variant is likely to be tolerated. In summary, the available evidence is currently insufficient to determine the role of this variant in disease. Therefore, it has been classified as a Variant of Uncertain Significance.

Ambry Genetics
Classification: Uncertain significance for Inborn genetic diseases. Last evaluated: 2024-11-18. Review status: criteria provided, single submitter. Criteria: Ambry Variant Classification Scheme 2023. Collection method: clinical testing. Allele origin: germline.
Comment: The p.M1292I variant (also known as c.3876G>A), located in coding exon 34 of the RTEL1 gene, results from a G to A substitution at nucleotide position 3876. The methionine at codon 1292 is replaced by isoleucine, an amino acid with highly similar properties. This amino acid position is conserved. In addition, this alteration is predicted to be tolerated by in silico analysis. Based on the available evidence, the clinical significance of this variant remains unclear.

Sema4
Classification: Uncertain significance for Dyskeratosis congenita. Last evaluated: 2021-10-07. Review status: criteria provided, single submitter. Criteria: Sema4 Curation Guidelines. Collection method: curation. Allele origin: germline.
Comment: The RTEL1 c.3876G>A (p.M1292I) variant has not been reported in the literature to our knowledge. It was observed in 11/114182 chromosomes of the Non-Finnish European subpopulation, with no homozygotes, in the large and broad cohorts of the Genome Aggregation Database (PMID: 32461654). The variant has been reported in ClinVar (Variation ID 972342). In silico tools suggest the impact of the variant on protein function is benign, though these predictions have not been confirmed by functional studies. The evidence is insufficient to meet ACMG/AMP criteria for classifying the variant as benign or pathogenic. Thus, the clinical significance of this variant is currently uncertain.